The following is an entry in ClinVar:

NM_015378.4(VPS13D):c.1048G>A (p.Val350Ile)

Gene: VPS13D (vacuolar protein sorting 13 homolog D; plus strand). Cytogenetic location: 1p36.22.
Variant type: single nucleotide variant.
Coding change: c.1048G>A on transcript NM_015378.4 (MANE Select); coding-DNA position 1048, G replaced by A.
Protein change: p.Val350Ile; replaces valine 350 with isoleucine.
Molecular consequence: missense variant.
Genome position (GRCh38, 1-based): chr1:12,258,041, G>A. VCF-style: chr1-12258041-G-A. GRCh37 (hg19) VCF-style: chr1-12318098-G-A.
Other names: c.1048G>A, p.Val350Ile (NM_018156.4); short protein forms V350I.
Identifiers: ClinVar variation 1973014 (VCV001973014.5), dbSNP rs1380343773, ClinGen allele CA338460960.
Genomic context (GRCh38, chr1:12,258,041, plus strand): 5'-ATCAGAGAGCAGAGGAAACGTTGCACCTGGGACTTTATGTTGCACCGCGCTCGTGATGCT[G>A]TATCTTACACTGACAAATATTTCAACAAGTTAAAAGGAGGCCTGCTGTCCACAGATGACA-3'
Protein context (NP_056193.2, residues 340-360): DFMLHRARDA[Val350Ile]SYTDKYFNKL

ClinVar aggregate classification (germline): Uncertain significance (1 of 4 stars; one submission).

Allele frequency attached by ClinVar (database versions not stated): gnomAD exomes below 0.00001; TOPMed below 0.00001; gnomAD 0.00001.
gnomAD v4.1: 2 of 1,614,100 alleles (0.00012%); highest among the groups gnomAD compares: South Asian, 0.0011%; no homozygotes.

Submission:

Labcorp Genetics (formerly Invitae), Labcorp
Classification: Uncertain significance. Last evaluated: 2023-07-07. Review status: criteria provided, single submitter. Criteria: Invitae Variant Classification Sherloc (09022015). Collection method: clinical testing. Allele origin: germline.
Comment: This sequence change replaces valine, which is neutral and non-polar, with isoleucine, which is neutral and non-polar, at codon 350 of the VPS13D protein (p.Val350Ile). This variant is present in population databases (no rsID available, gnomAD 0.003%). This variant has not been reported in the literature in individuals affected with VPS13D-related conditions. ClinVar contains an entry for this variant (Variation ID: 1973014). Advanced modeling of protein sequence and biophysical properties (such as structural, functional, and spatial information, amino acid conservation, physicochemical variation, residue mobility, and thermodynamic stability) performed at Invitae indicates that this missense variant is not expected to disrupt VPS13D protein function. In summary, the available evidence is currently insufficient to determine the role of this variant in disease. Therefore, it has been classified as a Variant of Uncertain Significance.